The following is an entry in ClinVar:

ClinVar aggregate classification (germline): Uncertain significance (1 of 4 stars; one submission).

Conditions:
Familial hemophagocytic lymphohistiocytosis 4 (FHL4). Also called: STX11-Related Familial Hemophagocytic Lymphohistiocytosis (STX11-fHLH). Identifiers: Orphanet 540, MedGen C1863728, MONDO:0011336, OMIM 603552.

Allele frequency attached by ClinVar (database versions not stated): ExAC 0.00001; gnomAD exomes 0.00001.

Submission:

Labcorp Genetics (formerly Invitae), Labcorp
Classification: Uncertain significance for Familial hemophagocytic lymphohistiocytosis 4. Last evaluated: 2021-09-01. Review status: criteria provided, single submitter. Criteria: Invitae Variant Classification Sherloc (09022015). Collection method: clinical testing. Allele origin: germline.
Comment: This sequence change replaces methionine with valine at codon 107 of the STX11 protein (p.Met107Val). The methionine residue is moderately conserved and there is a small physicochemical difference between methionine and valine. This variant is present in population databases (rs761875800, ExAC 0.002%). This variant has not been reported in the literature in individuals affected with STX11-related conditions. Algorithms developed to predict the effect of missense changes on protein structure and function (SIFT, PolyPhen-2, Align-GVGD) all suggest that this variant is likely to be tolerated. In summary, the available evidence is currently insufficient to determine the role of this variant in disease. Therefore, it has been classified as a Variant of Uncertain Significance.

NM_003764.4(STX11):c.319A>G (p.Met107Val)

Gene: STX11 (syntaxin 11; plus strand). Cytogenetic location: 6q24.2.
Variant type: single nucleotide variant.
Coding change: c.319A>G on transcript NM_003764.4 (MANE Select); coding-DNA position 319, A replaced by G.
Protein change: p.Met107Val; replaces methionine 107 with valine.
Molecular consequence: missense variant.
Genome position (GRCh38, 1-based): chr6:144,186,946, A>G. VCF-style: chr6-144186946-A-G. GRCh37 (hg19) VCF-style: chr6-144508083-A-G.
Other names: short protein forms M107V.
Identifiers: ClinVar variation 1001455 (VCV001001455.6), dbSNP rs761875800, ClinGen allele CA4031673.